The following is an entry in ClinVar:

NM_198239.2(CCN6):c.625T>A (p.Cys209Ser)

Gene: CCN6 (cellular communication network factor 6; plus strand). Cytogenetic location: 6q21.
Variant type: single nucleotide variant.
Coding change: c.625T>A on transcript NM_198239.2 (MANE Select); coding-DNA position 625, T replaced by A.
Protein change: p.Cys209Ser; replaces cysteine 209 with serine.
Molecular consequence: missense variant. On other transcripts: non-coding transcript variant (2).
Genome position (GRCh38, 1-based): chr6:112,068,240, T>A. VCF-style: chr6-112068240-T-A. GRCh37 (hg19) VCF-style: chr6-112389443-T-A.
Other names: c.625T>A, p.Cys209Ser (NM_003880.4); short protein forms C209S.
Identifiers: ClinVar variation 3338997 (VCV003338997.1).

ClinVar aggregate classification (germline): Uncertain significance (1 of 4 stars; one submission).

gnomAD v4.1: 8 of 1,609,816 alleles (0.0005%); highest among the groups gnomAD compares: East Asian, 0.0022%; no homozygotes.

Submission:

Women's Health and Genetics/Laboratory Corporation of America, LabCorp
Classification: Uncertain significance. Last evaluated: 2024-07-09. Review status: criteria provided, single submitter. Criteria: LabCorp Variant Classification Summary - May 2015. Collection method: clinical testing. Allele origin: germline.
Comment: Variant summary: CCN6 c.625T>A (p.Cys209Ser) results in a non-conservative amino acid change located in the CCN, TSP1 domain (IPR043973) of the encoded protein sequence. Three of five in-silico tools predict a damaging effect of the variant on protein function. The variant allele was found at a frequency of 1.2e-05 in 247630 control chromosomes (gnomAD). The available data on variant occurrences in the general population are insufficient to allow any conclusion about variant significance. c.625T>A has been reported in the literature in an individual affected with Progressive Pseudorheumatoid Dysplasia (Wang_2023). These data do not allow any conclusion about variant significance. To our knowledge, no experimental evidence demonstrating an impact on protein function has been reported. The following publication has been ascertained in the context of this evaluation (PMID: 36622578). No submitters have cited clinical-significance assessments for this variant to ClinVar. Based on the evidence outlined above, the variant was classified as uncertain significance.

Literature cited by the submitters: PubMed 36622578.